The following is an entry in ClinVar:

NM_004637.6(RAB7A):c.*997T>C

Gene: RAB7A (RAB7A, member RAS oncogene family; plus strand). Cytogenetic location: 3q21.3.
Variant type: single nucleotide variant.
Coding change: c.*997T>C on transcript NM_004637.6 (MANE Select); 997 bases downstream of the stop codon, T replaced by C.
Molecular consequence: 3 prime UTR variant.
Genome position (GRCh38, 1-based): chr3:128,814,419, T>C. VCF-style: chr3-128814419-T-C. GRCh37 (hg19) VCF-style: chr3-128533262-T-C.
Identifiers: ClinVar variation 343179 (VCV000343179.6), dbSNP rs3755593, ClinGen allele CA10615240.
Genomic context (GRCh38, chr3:128,814,419, plus strand): 5'-GTGCAATGGATAAATTGCCGTTATTTCAAAAATTAAAATTCTCATTTTCTTTCTTTTTTT[T>C]CCCCCCTGCTCCACACTTCAAAACTCCCGTTAGATCAGCATTCTACTACAAGAGTGAAAG-3'

ClinVar aggregate classification (germline): Benign. Review status: criteria provided, multiple submitters, no conflicts (2 of 4 stars). 2 submissions from 2 submitters: Benign (2). Last evaluated 2018-01-12.

Conditions:
Charcot-Marie-Tooth disease type 2B (CMT2B). Also called: Charcot-Marie-Tooth Neuropathy Type 2B; CHARCOT-MARIE-TOOTH DISEASE, AXONAL, TYPE 2B; CHARCOT-MARIE-TOOTH DISEASE, AUTOSOMAL DOMINANT, TYPE 2B; HEREDITARY MOTOR AND SENSORY NEUROPATHY IIB. Identifiers: Orphanet 99936, MedGen C1833219, MONDO:0010949, OMIM 600882.

Allele frequency attached by ClinVar (database versions not stated): gnomAD 0.03614; TOPMed 0.03911; gnomAD exomes 0.05526; 1000 Genomes Project 0.08846.
gnomAD v4.1: 5,904 of 152,552 alleles (3.9%); highest among the groups gnomAD compares: South Asian, 13%; 214 homozygotes.

Submissions (2):

Illumina Laboratory Services, Illumina
Classification: Benign for Charcot-Marie-Tooth disease type 2B. Last evaluated: 2018-01-12. Review status: criteria provided, single submitter. Criteria: ICSL Variant Classification Criteria 13 December 2019. Collection method: clinical testing. Allele origin: germline.
Comment: This variant was observed in the ICSL laboratory as part of a predisposition screen in an ostensibly healthy population. It had not been previously curated by ICSL or reported in the Human Gene Mutation Database (HGMD: prior to June 1st, 2018), and was therefore a candidate for classification through an automated scoring system. Utilizing variant allele frequency, disease prevalence and penetrance estimates, and inheritance mode, an automated score was calculated to assess if this variant is too frequent to cause the disease. Based on the score and internal cut-off values, a variant classified as benign is not then subjected to further curation. The score for this variant resulted in a classification of benign for this disease.

Breakthrough Genomics
Classification: Benign. Review status: criteria provided, single submitter. Criteria: ACMG Guidelines, 2015. Collection method: not provided. Allele origin: germline. Inheritance: Autosomal dominant inheritance. Affected: yes.